The following is an entry in ClinVar:

ClinVar aggregate classification (germline): Uncertain significance (1 of 4 stars; one submission).

Conditions:
POLD1-related polyposis and colorectal cancer syndrome (CRCS10). Also called: Colorectal cancer 10; COLORECTAL CANCER, SUSCEPTIBILITY TO, ON CHROMOSOME 19q; Colorectal cancer, susceptibility to, 10. Identifiers: Orphanet 220460, MedGen C2675481, MONDO:0012953, OMIM 612591.

Submission:

Labcorp Genetics (formerly Invitae), Labcorp
Classification: Uncertain significance for POLD1-related polyposis and colorectal cancer syndrome. Last evaluated: 2024-10-15. Review status: criteria provided, single submitter. Criteria: Invitae Variant Classification Sherloc (09022015). Collection method: clinical testing. Allele origin: germline.
Comment: This sequence change replaces proline, which is neutral and non-polar, with alanine, which is neutral and non-polar, at codon 243 of the POLD1 protein (p.Pro243Ala). This variant is not present in population databases (gnomAD no frequency). This variant has not been reported in the literature in individuals affected with POLD1-related conditions. Invitae Evidence Modeling of protein sequence and biophysical properties (such as structural, functional, and spatial information, amino acid conservation, physicochemical variation, residue mobility, and thermodynamic stability) indicates that this missense variant is not expected to disrupt POLD1 protein function with a negative predictive value of 80%. In summary, the available evidence is currently insufficient to determine the role of this variant in disease. Therefore, it has been classified as a Variant of Uncertain Significance.

NM_002691.4(POLD1):c.727C>G (p.Pro243Ala)

Gene: POLD1 (DNA polymerase delta 1, catalytic subunit; plus strand). Cytogenetic location: 19q13.33.
Variant type: single nucleotide variant.
Coding change: c.727C>G on transcript NM_002691.4 (MANE Select); coding-DNA position 727, C replaced by G.
Protein change: p.Pro243Ala; replaces proline 243 with alanine.
Molecular consequence: missense variant. On other transcripts: non-coding transcript variant (1).
Genome position (GRCh38, 1-based): chr19:50,402,342, C>G. VCF-style: chr19-50402342-C-G. GRCh37 (hg19) VCF-style: chr19-50905599-C-G.
Other names: c.727C>G, p.Pro243Ala (NM_001256849.1, NM_001308632.1); short protein forms P243A.
Identifiers: ClinVar variation 3664799 (VCV003664799.2).
Genomic context (GRCh38, chr19:50,402,342, plus strand): 5'-GCCCGCCGTCTCCTGGAACAGGGCATCCGTGTGGCAGGCCTGGGCACGCCCAGCTTCGCG[C>G]CCTACGAGGCCAACGTCGACTTTGAGATCCGGTACGGCCTCTGCCTCACTTCTCCGGCCT-3'
Protein context (NP_002682.2, residues 233-253): VAGLGTPSFA[Pro243Ala]YEANVDFEIR